The following is an entry in ClinVar:

ClinVar aggregate classification (germline): Pathogenic. Review status: criteria provided, multiple submitters, no conflicts (2 of 4 stars). 4 submissions from 4 submitters: Pathogenic (2). 2 of the submissions do not count toward it. Last evaluated 2023-10-17.
ClinVar aggregate classification (somatic clinical impact): Tier I - Strong (1 of 4 stars; one submission).

Conditions:
Vascular malformation. Also called: Vascular malformations. Identifiers: MedGen C0158570, MONDO:0024291.
Bockenheimer syndrome. Identifiers: Orphanet 217008, MedGen C5679814, MONDO:0016311.
Abnormal cardiovascular system morphology. Also called: Abnormality of cardiovascular system morphology. Identifiers: MedGen C4049796, HP:0030680.

Submissions (5):

Institute for Genomic Medicine (IGM) Clinical Laboratory, Nationwide Children's Hospital
Classification: Tier I - Strong for Vascular malformation. Assertion type: diagnostic. Clinical significance: supports diagnosis. Last evaluated: 2024-05-03. Review status: criteria provided, single submitter. Criteria: AMP/ASCO/CAP Guidelines, 2017. Collection method: clinical testing. Allele origin: somatic. Affected: yes.
Comment: Variant has Tier I (strong) clinical significance as a diagnostic inclusion criterion in vascular malformation, based on the following evidence: 1) Appears in one or more well-established professional guidelines (e.g., World Health Organization [WHO]; National Comprehensive Cancer Network [NCCN]) as providing diagnostic, prognostic, or therapeutic information. 2) Information in the literature supports potential biologic effect of variant (PMIDs: 19079259, 26319232). 3) Diagnostic for a specific tumor type/classification according to professional guidelines (Evidence Level A). 4) Diagnostic for a specific tumor type/classification based on well-powered studies with expert-level consensus (Evidence Level B; PMIDs: 21962923, 19079259, 26319232, 30677207).

Clinical Genomics Laboratory, Washington University in St. Louis
Classification: Pathogenic for Vascular malformation. Last evaluated: 2023-10-17. Review status: criteria provided, single submitter. Criteria: ACMG Guidelines, 2015. Collection method: clinical testing. Allele origin: somatic. Affected: yes.
Comment: The TEK c.2740C>T (p.Leu914Phe) variant was identified at an allelic fraction consistent with somatic origin. This variant has been identified in multiple individuals with sporadic venous malformations (Limaye N et al., PMID: 19079259; Ye C et al., PMID: 21962923; Soblet J et al., PMID: 23801934; Limaye N et al., PMID: 26637981; Soblet J et al., PMID: 27519652). This variant has been reported in the ClinVar database as a pathogenic somatic variant by one submitter (ClinVar ID: 981229). This variant is absent from the general population (gnomAD v.3.1.2), indicating it is not a common variant. The TEK c.2740C>T (p.Leu914Phe) variant resides within the kinase domain of TIE2, an endothelium-specific receptor tyrosine kinase that is a critical functional domain (Shewchuk LM et al., PMID: 11080633). Computational predictors indicate that the variant is damaging, evidence that correlates with impact to TEK function. In support of this prediction, functional studies show that the TEK c.2740C>T (p.Leu914Phe) variant increases vascular tissue growth via constitutive TIE2 phosphorylation and induces aberrant vessel migration (Limaye N et al., PMID: 19079259; Uebelhoer M et al., PMID: 23633549; N√§tynki M et al., PMID: 26319232; Cai Y et al., PMID: 31451744). Based on an internally developed protocol informed by the ACMG/AMP guidelines (Richards S et al., PMID: 25741868) and gene-specific practices from the ClinGen Criteria Specification Registry, the TEK c.2740C>T (p.Leu914Phe) variant is classified as pathogenic.

Seattle Children's Hospital Molecular Genetics Laboratory, Seattle Children's Hospital
Classification: Pathogenic. Last evaluated: 2020-03-13. Review status: criteria provided, single submitter. Criteria: ACMG Guidelines, 2015. Collection method: clinical testing. Allele origin: somatic. Affected: yes. Observed: 9 variant alleles. Clinical features observed: Venous malformation (HP:0012721), Vascular skin abnormality (HP:0011276), Hemihypertrophy of lower limb (HP:0100553).
Comment: This is the most common somatic variant reported in individuals with sporadically occurring venous malformations (PMID: 19079259, PMID: 23801934, PMID: 27519652, PMID: 21962923, PMID: 26637981).

Arin Greene Laboratory, Boston Children's Hospital, Harvard Medical School
Classification: Pathogenic for Bockenheimer syndrome. Last evaluated: 2021-06-01. Review status: no assertion criteria provided. Collection method: research. Allele origin: somatic. Affected: yes. Observed: 7 variant alleles. Clinical features observed: venous malformation. Not counted in ClinVar's aggregate classification.

MAGI's Lab - Research, MAGI Group
Classification: Pathogenic for Abnormal cardiovascular system morphology. Review status: no assertion criteria provided. Collection method: provider interpretation. Allele origin: somatic. Affected: yes. Not counted in ClinVar's aggregate classification.

Literature cited by the submitters: PubMed 19079259 (cited by Institute for Genomic Medicine (IGM) Clinical Laboratory, Nationwide Children's Hospital); PubMed 26319232 (cited by Institute for Genomic Medicine (IGM) Clinical Laboratory, Nationwide Children's Hospital); PubMed 21962923 (cited by Institute for Genomic Medicine (IGM) Clinical Laboratory, Nationwide Children's Hospital); PubMed 30677207 (cited by Institute for Genomic Medicine (IGM) Clinical Laboratory, Nationwide Children's Hospital).

NM_000459.5(TEK):c.2740C>T (p.Leu914Phe)

Gene: TEK (TEK receptor tyrosine kinase; plus strand). Cytogenetic location: 9p21.2.
Variant type: single nucleotide variant.
Coding change: c.2740C>T on transcript NM_000459.5 (MANE Select); coding-DNA position 2740, C replaced by T.
Protein change: p.Leu914Phe; replaces leucine 914 with phenylalanine.
Molecular consequence: missense variant.
Genome position (GRCh38, 1-based): chr9:27,212,760, C>T. VCF-style: chr9-27212760-C-T. GRCh37 (hg19) VCF-style: chr9-27212758-C-T.
Other names: c.2740C>T (NM_000459.3); c.2611C>T, p.Leu871Phe (NM_001290077.2); c.2296C>T, p.Leu766Phe (NM_001290078.2); c.2737C>T, p.Leu913Phe (NM_001375475.1); c.2608C>T, p.Leu870Phe (NM_001375476.1); short protein forms L766F, L870F, L871F, L913F, L914F.
Identifiers: ClinVar variation 981229 (VCV000981229.7), dbSNP rs1825682849, ClinGen allele CA373122952.